The following is an entry in ClinVar:

ClinVar aggregate classification (germline): Likely benign. Review status: criteria provided, multiple submitters, no conflicts (2 of 4 stars). 2 submissions from 2 submitters: Likely benign (2). Last evaluated 2026-06-09.

Conditions:
CWC27-related disorder. Also called: CWC27-related condition.

gnomAD v4.1: 26 of 1,535,826 alleles (0.0017%); highest among the groups gnomAD compares: Non-Finnish European, 0.0022%; no homozygotes.

Submissions (2):

PreventionGenetics, part of Exact Sciences
Classification: Likely benign for CWC27-related condition. Last evaluated: 2026-06-09. Review status: criteria provided, single submitter. Criteria: ACMG Guidelines, 2015. Collection method: clinical testing. Allele origin: germline.
Comment: This variant is classified as likely benign based on ACMG/AMP sequence variant interpretation guidelines (Richards et al. 2015 PMID: 25741868, with internal and published modifications).

Blueprint Genetics
Classification: Likely benign. Last evaluated: 2024-04-24. Review status: criteria provided, single submitter. Criteria: ACMG Guidelines, 2015. Collection method: clinical testing. Allele origin: germline.

NM_005869.4(CWC27):c.938+3258C>T

Gene: CWC27 (CWC27 spliceosome associated cyclophilin; plus strand). Cytogenetic location: 5q12.3.
Variant type: single nucleotide variant.
Coding change: c.938+3258C>T on transcript NM_005869.4 (MANE Select); 3258 bases into the intron after coding-DNA position 938, C replaced by T.
Molecular consequence: intron variant. On other transcripts: synonymous variant (1).
Genome position (GRCh38, 1-based): chr5:64,807,644, C>T. VCF-style: chr5-64807644-C-T. GRCh37 (hg19) VCF-style: chr5-64103471-C-T.
Other names: c.984C>T, p.Ser328= (NM_001297645.2); c.938+3258C>T (NM_001297644.1, NM_001364478.1, NM_001318000.2); c.984C>T (NM_001297645.1).
Identifiers: ClinVar variation 4970572 (VCV004970572.2).